The following is an entry in ClinVar:

ClinVar aggregate classification (germline): Conflicting classifications of pathogenicity. Review status: criteria provided, conflicting classifications (1 of 4 stars). 4 submissions from 4 submitters: Uncertain significance (1); Benign (1); Likely benign (2). Last evaluated 2026-02-27.

Conditions:
RAI1-related disorder. Also called: RAI1-related condition.
Inborn genetic diseases. Identifiers: MedGen C0950123, MeSH D030342.

Allele frequency attached by ClinVar (database versions not stated): ExAC 0.00004; gnomAD 0.00004; gnomAD exomes 0.00004 and 0.00007; TOPMed 0.00006; 1000 Genomes Project 30x 0.00016; 1000 Genomes Project 0.00020.
gnomAD v4.1: 112 of 1,612,886 alleles (0.0069%); highest among the groups gnomAD compares: Non-Finnish European, 0.0086%; no homozygotes.

Submissions (4):

PreventionGenetics, part of Exact Sciences
Classification: Uncertain significance for RAI1-related condition. Last evaluated: 2026-02-27. Review status: criteria provided, single submitter. Criteria: ACMG Guidelines, 2015. Collection method: clinical testing. Allele origin: germline.
Comment: The RAI1 c.1729G>A variant is predicted to result in the amino acid substitution p.Gly577Ser. To our knowledge, this variant has not been reported in the literature. This variant is reported in 0.0081% of alleles in individuals of African descent in gnomAD, which may be too common to be causative. Although we suspect that this variant may be benign, at this time, the clinical significance of this variant is uncertain due to the absence of conclusive functional and genetic evidence.

Labcorp Genetics (formerly Invitae), Labcorp
Classification: Benign. Last evaluated: 2025-11-10. Review status: criteria provided, single submitter. Criteria: Invitae Variant Classification Sherloc (09022015). Collection method: clinical testing. Allele origin: germline.

Ambry Genetics
Classification: Likely benign for Inborn genetic diseases. Last evaluated: 2025-04-25. Review status: criteria provided, single submitter. Criteria: Ambry Variant Classification Scheme 2023. Collection method: clinical testing. Allele origin: germline.

Blueprint Genetics
Classification: Likely benign. Last evaluated: 2023-04-12. Review status: criteria provided, single submitter. Criteria: ACMG Guidelines, 2015. Collection method: clinical testing. Allele origin: germline.

NM_030665.4(RAI1):c.1729G>A (p.Gly577Ser)

Gene: RAI1 (retinoic acid induced 1; plus strand). Cytogenetic location: 17p11.2.
Variant type: single nucleotide variant.
Coding change: c.1729G>A on transcript NM_030665.4 (MANE Select); coding-DNA position 1729, G replaced by A.
Protein change: p.Gly577Ser; replaces glycine 577 with serine.
Molecular consequence: missense variant.
Genome position (GRCh38, 1-based): chr17:17,794,677, G>A. VCF-style: chr17-17794677-G-A. GRCh37 (hg19) VCF-style: chr17-17697991-G-A.
Other names: c.1729G>A (NM_030665.3); short protein forms G577S.
Identifiers: ClinVar variation 1542395 (VCV001542395.12), dbSNP rs141458634, ClinGen allele CA8418387.